The following is an entry in ClinVar:

ClinVar aggregate classification (germline): Pathogenic. Review status: criteria provided, multiple submitters, no conflicts (2 of 4 stars). 2 submissions from 2 submitters: Pathogenic (2). Last evaluated 2025-04-09.

Conditions:
Neurofibromatosis, type 1 (NF1). Also called: VON RECKLINGHAUSEN DISEASE; NEUROFIBROMATOSIS, TYPE I, SOMATIC; Neurofibromatosis, type I; Peripheral type neurofibromatosis. Identifiers: Orphanet 636, MedGen C0027831, MONDO:0018975, OMIM 162200. Disease mechanism: loss of function.

Submissions (2):

NHS Central & South Genomic Laboratory Hub
Classification: Pathogenic for Neurofibromatosis type 1. Last evaluated: 2025-04-09. Review status: criteria provided, single submitter. Criteria: ACMG Guidelines, 2015. Collection method: clinical testing. Allele origin: germline. Affected: yes.

Labcorp Genetics (formerly Invitae), Labcorp
Classification: Pathogenic for Neurofibromatosis, type 1. Last evaluated: 2022-10-11. Review status: criteria provided, single submitter. Criteria: Invitae Variant Classification Sherloc (09022015). Collection method: clinical testing. Allele origin: germline.
Comment: Advanced modeling of protein sequence and biophysical properties (such as structural, functional, and spatial information, amino acid conservation, physicochemical variation, residue mobility, and thermodynamic stability) performed at Invitae indicates that this missense variant is expected to disrupt NF1 protein function. For these reasons, this variant has been classified as Pathogenic. ClinVar contains an entry for this variant (Variation ID: 1428193). This missense change has been observed in individual(s) with NF1-related conditions (Invitae). In at least one individual the variant was observed to be de novo. This variant is not present in population databases (gnomAD no frequency). This sequence change replaces alanine, which is neutral and non-polar, with proline, which is neutral and non-polar, at codon 1519 of the NF1 protein (p.Ala1519Pro).

NM_001042492.3(NF1):c.4618G>C (p.Ala1540Pro)

Gene: NF1 (neurofibromin 1; plus strand). Cytogenetic location: 17q11.2.
Variant type: single nucleotide variant.
Coding change: c.4618G>C on transcript NM_001042492.3 (MANE Select); coding-DNA position 4618, G replaced by C.
Protein change: p.Ala1540Pro; replaces alanine 1540 with proline.
Molecular consequence: missense variant.
Genome position (GRCh38, 1-based): chr17:31,261,751, G>C. VCF-style: chr17-31261751-G-C. GRCh37 (hg19) VCF-style: chr17-29588769-G-C.
Other names: c.4555G>C, p.Ala1519Pro (NM_000267.4); short protein forms A1540P, A1519P.
Identifiers: ClinVar variation 1428193 (VCV001428193.9), dbSNP rs2151466274, ClinGen allele CA399000240.